The following is an entry in ClinVar:

ClinVar aggregate classification (germline): Pathogenic. Review status: criteria provided, multiple submitters, no conflicts (2 of 4 stars). 2 submissions from 2 submitters: Pathogenic (2). Last evaluated 2021-07-02.

Conditions:
SGCE-related disorder. Also called: SGCE-related condition.
Myoclonic dystonia 11 (DYT11). Also called: Dystonia 11; Dystonia, alcohol responsive; Hereditary essential myoclonus; SGCE Myoclonus-Dystonia; Myoclonus-Dystonia; Myoclonic dystonia. Identifiers: Orphanet 36899, MedGen C1834570, MONDO:0008044, OMIM 159900.

Submissions (2):

Blueprint Genetics
Classification: Pathogenic for SGCE-related disorders. Last evaluated: 2021-07-02. Review status: criteria provided, single submitter. Criteria: ACMG Guidelines, 2015. Collection method: clinical testing. Allele origin: germline. Affected: yes. Observed: 1 variant allele.

Labcorp Genetics (formerly Invitae), Labcorp
Classification: Pathogenic for Myoclonic dystonia 11. Last evaluated: 2017-12-05. Review status: criteria provided, single submitter. Criteria: Invitae Variant Classification Sherloc (09022015). Collection method: clinical testing. Allele origin: germline.
Comment: For these reasons, this variant has been classified as Pathogenic. Loss-of-function variants in SGCE are known to be pathogenic (PMID: 12821748, 15389977, 24297365). This variant has been reported in a family affected with myoclonus dystonia (PMID: 17296918). This variant is not present in population databases (ExAC no frequency). This sequence change creates a premature translational stop signal (p.Gln265Hisfs*24) in the SGCE gene. It is expected to result in an absent or disrupted protein product.

Literature cited by the submitters: PubMed 12821748 (cited by Labcorp Genetics (formerly Invitae), Labcorp); PubMed 15389977 (cited by Labcorp Genetics (formerly Invitae), Labcorp); PubMed 24297365 (cited by Labcorp Genetics (formerly Invitae), Labcorp); PubMed 17296918 (cited by Labcorp Genetics (formerly Invitae), Labcorp).

NM_003919.3(SGCE):c.795del (p.Gln265fs)

Genes: CASD1 (CAS1 domain sialic acid O acetyltransferase 1; plus strand), SGCE (sarcoglycan epsilon; minus strand). Cytogenetic location: 7q21.3.
Variant type: Deletion.
Coding change: c.795del on transcript NM_003919.3 (MANE Select); coding-DNA position 795, one base deleted (A; older notation c.795delA).
Protein change: p.Gln265fs; shifts the reading frame from glutamine 265.
Molecular consequence: frameshift variant.
Genome position (GRCh38, 1-based): chr7:94,603,320, T deleted on the plus strand (A on the coding strand, the reverse complement: SGCE is on the minus strand); the first of 2 consecutive T bases (chr7:94,603,320-94,603,321); deleting either gives the same sequence. VCF-style (leftmost placement, unchanged base first): chr7-94603319-AT-A. GRCh37 (hg19) VCF-style: chr7-94232631-AT-A.
Other names: c.795del, p.Gln265fs (NM_001099400.2, NM_001099401.2, NM_001346717.2); c.672del, p.Gln224fs (NM_001301139.2, NM_001362809.2); c.903del, p.Gln301fs (NM_001346713.2, NM_001346715.2); c.708del, p.Gln236fs (NM_001346719.2, NM_001362807.2); c.522del, p.Gln174fs (NM_001346720.2, NM_001362808.2); short protein forms Q236fs, Q224fs, Q174fs, Q265fs, Q301fs.
Identifiers: ClinVar variation 532791 (VCV000532791.9), dbSNP rs1554345077, ClinGen allele CA658796975.